The following is an entry in ClinVar:

ClinVar aggregate classification (germline): Uncertain significance. Review status: criteria provided, multiple submitters, no conflicts (2 of 4 stars). 4 submissions from 4 submitters: Uncertain significance (3). 1 of the submissions does not count toward it. Last evaluated 2024-12-16.

Conditions:
Retinal dystrophy. Also called: Inherited retinal dystrophy. Identifiers: Orphanet 71862, MedGen C0854723, MeSH D058499, MONDO:0019118, HP:0000556.

Allele frequency attached by ClinVar (database versions not stated): gnomAD 0.00001 and 0.00003; ExAC 0.00003; TOPMed 0.00004; gnomAD exomes 0.00005; 1000 Genomes Project 30x 0.00016; 1000 Genomes Project 0.00020.
gnomAD v4.1: 46 of 1,609,186 alleles (0.0029%); highest among the groups gnomAD compares: East Asian, 0.051%; no homozygotes.

Submissions (4):

Labcorp Genetics (formerly Invitae), Labcorp
Classification: Uncertain significance. Last evaluated: 2024-12-16. Review status: criteria provided, single submitter. Criteria: Invitae Variant Classification Sherloc (09022015). Collection method: clinical testing. Allele origin: germline.
Comment: This sequence change replaces glycine, which is neutral and non-polar, with serine, which is neutral and polar, at codon 603 of the RBP3 protein (p.Gly603Ser). This variant is present in population databases (rs202017297, gnomAD 0.03%). This variant has not been reported in the literature in individuals affected with RBP3-related conditions. ClinVar contains an entry for this variant (Variation ID: 1365194). Invitae Evidence Modeling of protein sequence and biophysical properties (such as structural, functional, and spatial information, amino acid conservation, physicochemical variation, residue mobility, and thermodynamic stability) indicates that this missense variant is not expected to disrupt RBP3 protein function with a negative predictive value of 80%. In summary, the available evidence is currently insufficient to determine the role of this variant in disease. Therefore, it has been classified as a Variant of Uncertain Significance.

Blueprint Genetics
Classification: Uncertain significance. Last evaluated: 2024-10-14. Review status: criteria provided, single submitter. Criteria: ACMG Guidelines, 2015. Collection method: clinical testing. Allele origin: germline.

Dept Of Ophthalmology, Nagoya University
Classification: Uncertain significance for Retinal dystrophy. Last evaluated: 2023-10-01. Review status: criteria provided, single submitter. Criteria: Submitter's publication. Collection method: research. Allele origin: germline. Affected: yes.

Institute of Human Genetics, Univ. Regensburg, Univ. Regensburg
Classification: Uncertain significance for Retinal dystrophy. Last evaluated: 2018-01-01. Review status: no assertion criteria provided. Criteria: ACMG Guidelines, 2015. Collection method: clinical testing. Allele origin: germline. Affected: yes. Not counted in ClinVar's aggregate classification.

NM_002900.3(RBP3):c.1807G>A (p.Gly603Ser)

Gene: RBP3 (retinol binding protein 3; plus strand). Cytogenetic location: 10q11.22.
Variant type: single nucleotide variant.
Coding change: c.1807G>A on transcript NM_002900.3 (MANE Select); coding-DNA position 1807, G replaced by A.
Protein change: p.Gly603Ser; replaces glycine 603 with serine.
Molecular consequence: missense variant.
Genome position (GRCh38, 1-based): chr10:47,350,291, G>A. VCF-style: chr10-47350291-G-A. GRCh37 (hg19) VCF-style: chr10-48389071-C-T.
Other names: short protein forms G603S.
Identifiers: ClinVar variation 1365194 (VCV001365194.9), dbSNP rs202017297, ClinGen allele CA5487422.
Genomic context (GRCh38, chr10:47,350,291, plus strand): 5'-GACACACCCGAAGGCAGCCTCGCGCTCACCGTGCCGGTCCTCACCTTCATCGACAATCAC[G>A]GCGAGGCCTGGCTGGGTGGTGGAGTGGTGCCCGATGCCATCGTGCTGGCCGAGGAGGCCC-3'
Protein context (NP_002891.1, residues 593-613): VPVLTFIDNH[Gly603Ser]EAWLGGGVVP